The following is an entry in ClinVar:

NM_001931.5(DLAT):c.895G>T (p.Asp299Tyr)

Gene: DLAT (dihydrolipoamide S-acetyltransferase; plus strand). Cytogenetic location: 11q23.1.
Variant type: single nucleotide variant.
Coding change: c.895G>T on transcript NM_001931.5 (MANE Select); coding-DNA position 895, G replaced by T.
Protein change: p.Asp299Tyr; replaces aspartic acid 299 with tyrosine.
Molecular consequence: missense variant. On other transcripts: intron variant (2).
Genome position (GRCh38, 1-based): chr11:112,037,380, G>T. VCF-style: chr11-112037380-G-T. GRCh37 (hg19) VCF-style: chr11-111908104-G-T.
Other names: c.895G>T, p.Asp299Tyr (NM_001372031.1, NM_001372032.1, NM_001372033.1 and 1 more transcripts); c.862G>T, p.Asp288Tyr (NM_001372034.1); c.769G>T, p.Asp257Tyr (NM_001372036.1); c.727G>T, p.Asp243Tyr (NM_001372037.1); c.616G>T, p.Asp206Tyr (NM_001372038.1); c.514G>T, p.Asp172Tyr (NM_001372040.1); c.433G>T, p.Asp145Tyr (NM_001372042.1); c.661-1864G>T (NM_001372039.1, NM_001372041.1); short protein forms D206Y, D299Y, D172Y, D288Y, D145Y, D243Y, D257Y.
Identifiers: ClinVar variation 1507831 (VCV001507831.6), dbSNP rs1862828399, ClinGen allele CA382608149.
Genomic context (GRCh38, chr11:112,037,380, plus strand): 5'-GAAGGCACAAGAGATGTCCCTCTAGGAACCCCACTCTGTATCATTGTAGAAAAAGAGGCA[G>T]ATATATCAGCATTTGCTGACTATAGGCCAACCGAAGTAACAGATTTAAAACCACAAGTGC-3'
Protein context (NP_001922.2, residues 289-309): PLCIIVEKEA[Asp299Tyr]ISAFADYRPT

ClinVar aggregate classification (germline): Uncertain significance (1 of 4 stars; one submission).

Conditions:
Pyruvate dehydrogenase E2 deficiency (PDHDD). Also called: LACTIC ACIDEMIA DUE TO DEFECT OF E2 LIPOYL TRANSACETYLASE OF THE PYRUVATE DEHYDROGENASE COMPLEX; Dihydrolipoamide Acetyltransferase (E2) Deficiency. Identifiers: Orphanet 765, Orphanet 79244, MedGen C1855565, MONDO:0009502, OMIM 245348.

Allele frequency attached by ClinVar (database versions not stated): gnomAD exomes below 0.00001; TOPMed below 0.00001.
gnomAD v4.1: 1 of 1,614,182 alleles (0.000062%); highest among the groups gnomAD compares: Non-Finnish European, 0.000085%; no homozygotes.

Submission:

Labcorp Genetics (formerly Invitae), Labcorp
Classification: Uncertain significance for Pyruvate dehydrogenase E2 deficiency. Last evaluated: 2023-08-04. Review status: criteria provided, single submitter. Criteria: Invitae Variant Classification Sherloc (09022015). Collection method: clinical testing. Allele origin: germline.
Comment: This variant is not present in population databases (gnomAD no frequency). In summary, the available evidence is currently insufficient to determine the role of this variant in disease. Therefore, it has been classified as a Variant of Uncertain Significance. Advanced modeling of protein sequence and biophysical properties (such as structural, functional, and spatial information, amino acid conservation, physicochemical variation, residue mobility, and thermodynamic stability) performed at Invitae indicates that this missense variant is expected to disrupt DLAT protein function. ClinVar contains an entry for this variant (Variation ID: 1507831). This variant has not been reported in the literature in individuals affected with DLAT-related conditions. This sequence change replaces aspartic acid, which is acidic and polar, with tyrosine, which is neutral and polar, at codon 299 of the DLAT protein (p.Asp299Tyr).